The following is an entry in ClinVar:

ClinVar aggregate classification (germline): Uncertain significance (1 of 4 stars; one submission).

Conditions:
Short-rib thoracic dysplasia 10 with or without polydactyly (SRTD10). Identifiers: Orphanet 474, MedGen C3810175, MONDO:0014284, OMIM 615630.
Retinitis pigmentosa 71 (RP71). Identifiers: Orphanet 791, MedGen C4225342, MONDO:0014618, OMIM 616394.

Allele frequency attached by ClinVar (database versions not stated): ExAC 0.00001; gnomAD 0.00001.
gnomAD v4.1: 4 of 1,611,942 alleles (0.00025%); highest among the groups gnomAD compares: East Asian, 0.0022%; no homozygotes.

Submission:

Labcorp Genetics (formerly Invitae), Labcorp
Classification: Uncertain significance for Retinitis pigmentosa 71; Short-rib thoracic dysplasia 10 with or without polydactyly. Last evaluated: 2024-04-25. Review status: criteria provided, single submitter. Criteria: Invitae Variant Classification Sherloc (09022015). Collection method: clinical testing. Allele origin: germline.
Comment: This sequence change replaces proline, which is neutral and non-polar, with arginine, which is basic and polar, at codon 200 of the IFT172 protein (p.Pro200Arg). The frequency data for this variant in the population databases is considered unreliable, as metrics indicate poor data quality at this position in the gnomAD database. This variant has not been reported in the literature in individuals affected with IFT172-related conditions. ClinVar contains an entry for this variant (Variation ID: 1438142). Advanced modeling of protein sequence and biophysical properties (such as structural, functional, and spatial information, amino acid conservation, physicochemical variation, residue mobility, and thermodynamic stability) performed at Invitae indicates that this missense variant is expected to disrupt IFT172 protein function with a positive predictive value of 80%. In summary, the available evidence is currently insufficient to determine the role of this variant in disease. Therefore, it has been classified as a Variant of Uncertain Significance.

NM_015662.3(IFT172):c.599C>G (p.Pro200Arg)

Gene: IFT172 (intraflagellar transport 172; minus strand). Cytogenetic location: 2p23.3.
Variant type: single nucleotide variant.
Coding change: c.599C>G on transcript NM_015662.3 (MANE Select); coding-DNA position 599, C replaced by G.
Protein change: p.Pro200Arg; replaces proline 200 with arginine.
Molecular consequence: missense variant.
Genome position (GRCh38, 1-based): chr2:27,481,232, G>C on the plus strand (C>G on the coding strand, the complement: IFT172 is on the minus strand). VCF-style: chr2-27481232-G-C. GRCh37 (hg19) VCF-style: chr2-27704099-G-C.
Other names: short protein forms P200R.
Identifiers: ClinVar variation 1438142 (VCV001438142.6), dbSNP rs776260844, ClinGen allele CA1580910.